The following is an entry in ClinVar:

ClinVar aggregate classification (germline): Uncertain significance. Review status: criteria provided, multiple submitters, no conflicts (2 of 4 stars). 3 submissions from 3 submitters: Uncertain significance (2). 1 of the submissions does not count toward it. Last evaluated 2025-08-10.

Conditions:
Imerslund-Grasbeck syndrome. Also called: Megaloblastic anemia due to inborn errors of metabolism; PERNICIOUS ANEMIA, JUVENILE, DUE TO SELECTIVE INTESTINAL MALABSORPTION OF VITAMIN B12, WITH PROTEINURIA; Imerslund-Gräsbeck syndrome; ENTEROCYTE COBALAMIN MALABSORPTION; ENTEROCYTE INTRINSIC FACTOR RECEPTOR, DEFECT OF. Identifiers: Orphanet 35858, MedGen C4551825, MONDO:0009853.
CUBN-related disorder. Also called: CUBN-related condition.
Inborn genetic diseases. Identifiers: MedGen C0950123, MeSH D030342.

Allele frequency attached by ClinVar (database versions not stated): ExAC 0.00001; TOPMed 0.00001; gnomAD 0.00003.
gnomAD v4.1: 9 of 1,612,632 alleles (0.00056%); highest among the groups gnomAD compares: Admixed American, 0.0033%; no homozygotes.

Submissions (3):

Ambry Genetics
Classification: Uncertain significance for Inborn genetic diseases. Last evaluated: 2025-08-10. Review status: criteria provided, single submitter. Criteria: Ambry Variant Classification Scheme 2023. Collection method: clinical testing. Allele origin: germline.

Labcorp Genetics (formerly Invitae), Labcorp
Classification: Uncertain significance for Imerslund-Grasbeck syndrome. Last evaluated: 2024-09-06. Review status: criteria provided, single submitter. Criteria: Invitae Variant Classification Sherloc (09022015). Collection method: clinical testing. Allele origin: germline.
Comment: This sequence change replaces asparagine, which is neutral and polar, with lysine, which is basic and polar, at codon 2534 of the CUBN protein (p.Asn2534Lys). This variant is present in population databases (rs763279807, gnomAD 0.002%). This variant has not been reported in the literature in individuals affected with CUBN-related conditions. ClinVar contains an entry for this variant (Variation ID: 2077218). Invitae Evidence Modeling of protein sequence and biophysical properties (such as structural, functional, and spatial information, amino acid conservation, physicochemical variation, residue mobility, and thermodynamic stability) indicates that this missense variant is not expected to disrupt CUBN protein function with a negative predictive value of 80%. In summary, the available evidence is currently insufficient to determine the role of this variant in disease. Therefore, it has been classified as a Variant of Uncertain Significance.

PreventionGenetics, part of Exact Sciences
Classification: Uncertain significance for CUBN-related condition. Last evaluated: 2024-04-03. Review status: no assertion criteria provided. Collection method: clinical testing. Allele origin: germline. Not counted in ClinVar's aggregate classification.
Comment: The CUBN c.7602T>A variant is predicted to result in the amino acid substitution p.Asn2534Lys. To our knowledge, this variant has not been reported in the literature. This variant is reported in 0.0015% of alleles in individuals of European (Non-Finnish) descent in gnomAD. At this time, the clinical significance of this variant is uncertain due to the absence of conclusive functional and genetic evidence.

NM_001081.4(CUBN):c.7602T>A (p.Asn2534Lys)

Gene: CUBN (cubilin; minus strand). Cytogenetic location: 10p13.
Variant type: single nucleotide variant.
Coding change: c.7602T>A on transcript NM_001081.4 (MANE Select); coding-DNA position 7602, T replaced by A.
Protein change: p.Asn2534Lys; replaces asparagine 2534 with lysine.
Molecular consequence: missense variant.
Genome position (GRCh38, 1-based): chr10:16,907,611, A>T on the plus strand (T>A on the coding strand, the complement: CUBN is on the minus strand). VCF-style: chr10-16907611-A-T. GRCh37 (hg19) VCF-style: chr10-16949610-A-T.
Other names: short protein forms N2534K.
Identifiers: ClinVar variation 2077218 (VCV002077218.6), dbSNP rs763279807, ClinGen allele CA5423297.